The following is an entry in ClinVar:

NM_000338.3(SLC12A1):c.*101C>A

Gene: SLC12A1 (solute carrier family 12 member 1; plus strand). Cytogenetic location: 15q21.1.
Variant type: single nucleotide variant.
Coding change: c.*101C>A on transcript NM_000338.3 (MANE Select); 101 bases downstream of the stop codon, C replaced by A.
Molecular consequence: 3 prime UTR variant.
Genome position (GRCh38, 1-based): chr15:48,302,986, C>A. VCF-style: chr15-48302986-C-A. GRCh37 (hg19) VCF-style: chr15-48595183-C-A.
Other names: c.*101C>A (NM_001184832.2).
Identifiers: ClinVar variation 316284 (VCV000316284.7), dbSNP rs55707440, ClinGen allele CA10646133.

ClinVar aggregate classification (germline): Benign. Review status: criteria provided, multiple submitters, no conflicts (2 of 4 stars). 2 submissions from 2 submitters: Benign (2). Last evaluated 2020-02-03.

Conditions:
Bartter disease type 1. Also called: HYPERPROSTAGLANDIN E SYNDROME 1; HYPOKALEMIC ALKALOSIS WITH HYPERCALCIURIA 1, ANTENATAL; Bartter syndrome, type 1, antenatal; Bartter Syndrome type 1. Identifiers: Orphanet 112, Orphanet 620217, MedGen C1866495, MONDO:0100344, OMIM 601678, MONDO:0011127.

Allele frequency attached by ClinVar (database versions not stated): gnomAD exomes 0.00178; gnomAD 0.01951 and 0.02084; TOPMed 0.02144; 1000 Genomes Project 0.02376; 1000 Genomes Project 30x 0.02514.
gnomAD v4.1: 4,376 of 903,816 alleles (0.48%); highest among the groups gnomAD compares: African/African-American, 6.7%; 153 homozygotes.

Submissions (2):

GeneDx
Classification: Benign. Last evaluated: 2020-02-03. Review status: criteria provided, single submitter. Criteria: GeneDx Variant Classification Process June 2021. Collection method: clinical testing. Allele origin: germline. Affected: yes.

Illumina Laboratory Services, Illumina
Classification: Benign for Bartter disease type 1. Last evaluated: 2018-01-13. Review status: criteria provided, single submitter. Criteria: ICSL Variant Classification Criteria 13 December 2019. Collection method: clinical testing. Allele origin: germline.
Comment: This variant was observed in the ICSL laboratory as part of a predisposition screen in an ostensibly healthy population. It had not been previously curated by ICSL or reported in the Human Gene Mutation Database (HGMD: prior to June 1st, 2018), and was therefore a candidate for classification through an automated scoring system. Utilizing variant allele frequency, disease prevalence and penetrance estimates, and inheritance mode, an automated score was calculated to assess if this variant is too frequent to cause the disease. Based on the score and internal cut-off values, a variant classified as benign is not then subjected to further curation. The score for this variant resulted in a classification of benign for this disease.